The following is an entry in ClinVar:

ClinVar aggregate classification (germline): Uncertain significance (1 of 4 stars; one submission).

Conditions:
Hereditary pheochromocytoma and paraganglioma. Also called: Hereditary pheochromocytoma-paraganglioma; Hereditary Paraganglioma-Pheochromocytoma Syndromes; Hereditary paragangliomas and pheochromocytomas. Identifiers: Orphanet 29072, MedGen C4274332, MONDO:0017366.

Submission:

All of Us Research Program, National Institutes of Health
Classification: Uncertain significance for Hereditary pheochromocytoma and paraganglioma. Last evaluated: 2023-11-20. Review status: criteria provided, single submitter. Criteria: ACMG Guidelines, 2015. Collection method: clinical testing. Allele origin: germline. Inheritance: Autosomal dominant inheritance. Observed: 1 variant allele, 1 heterozygote.
Comment: This missense variant replaces leucine with tryptophan at codon 161 of the SDHC protein. Computational prediction suggests that this variant may have deleterious impact on protein structure and function (internally defined REVEL score threshold >= 0.7, PMID: 27666373). To our knowledge, functional studies have not been reported for this variant. This variant has not been reported in individuals affected with SDHC-related disorders in the literature. This variant has not been identified in the general population by the Genome Aggregation Database (gnomAD). The available evidence is insufficient to determine the role of this variant in disease conclusively. Therefore, this variant is classified as a Variant of Uncertain Significance.

This study involves interpretation of variants in research participants for the purpose of population health screening. Participant phenotype was not available at the time of variant classification. Additional details can be found in publication PMID: 35346344, PMCID: PMC8962531

NM_003001.5(SDHC):c.482T>G (p.Leu161Trp)

Gene: SDHC (succinate dehydrogenase complex subunit C; plus strand). Cytogenetic location: 1q23.3.
Variant type: single nucleotide variant.
Coding change: c.482T>G on transcript NM_003001.5 (MANE Select); coding-DNA position 482, T replaced by G.
Protein change: p.Leu161Trp; replaces leucine 161 with tryptophan.
Molecular consequence: missense variant. On other transcripts: synonymous variant (3), non-coding transcript variant (1).
Genome position (GRCh38, 1-based): chr1:161,362,405, T>G. VCF-style: chr1-161362405-T-G. GRCh37 (hg19) VCF-style: chr1-161332195-T-G.
Other names: c.318T>G, p.Val106= (NM_001035511.3); c.380T>G, p.Leu127Trp (NM_001035512.3); c.323T>G, p.Leu108Trp (NM_001035513.3); c.216T>G, p.Val72= (NM_001278172.3); c.602T>G, p.Leu201Trp (NM_001407115.1); c.425T>G, p.Leu142Trp (NM_001407116.1); c.419T>G, p.Leu140Trp (NM_001407117.1); c.374T>G, p.Leu125Trp (NM_001407118.1); and 2 more; short protein forms L108W, L124W, L125W, L127W, L140W, L142W, L161W, L201W.
Identifiers: ClinVar variation 3074535 (VCV003074535.1), dbSNP rs2102385769, ClinGen allele CA343457900.